The following is an entry in ClinVar:

NM_000051.4(ATM):c.285G>C (p.Gln95His)

Gene: ATM (ATM serine/threonine kinase; plus strand). Cytogenetic location: 11q22.3.
Variant type: single nucleotide variant.
Coding change: c.285G>C on transcript NM_000051.4 (MANE Select); coding-DNA position 285, G replaced by C.
Protein change: p.Gln95His; replaces glutamine 95 with histidine.
Molecular consequence: missense variant.
Genome position (GRCh38, 1-based): chr11:108,229,277, G>C. VCF-style: chr11-108229277-G-C. GRCh37 (hg19) VCF-style: chr11-108100004-G-C.
Other names: c.285G>C, p.Gln95His (NM_001351834.2, NM_001351835.2, NM_001351836.2); short protein forms Q95H.
Identifiers: ClinVar variation 821911 (VCV000821911.19), dbSNP rs1316615402, ClinGen allele CA382521702.

ClinVar aggregate classification (germline): Uncertain significance. Review status: criteria provided, multiple submitters, no conflicts (2 of 4 stars). 4 submissions from 4 submitters: Uncertain significance (4). Last evaluated 2025-11-27.

Conditions:
Ataxia-telangiectasia syndrome (AT). Also called: Cerebello-oculocutaneous telangiectasia; Immunodeficiency with ataxia telangiectasia; Ataxia-telangiectasia, complementation group E; Ataxia-telangiectasia, complementation group D; AT, COMPLEMENTATION GROUP C; ATAXIA-TELANGIECTASIA, COMPLEMENTATION GROUP A. Identifiers: Orphanet 100, MedGen C0004135, MONDO:0008840, OMIM 208900.
Hereditary cancer-predisposing syndrome. Also called: Hereditary Cancer Syndrome; Neoplastic Syndromes, Hereditary; Hereditary neoplastic syndrome; Tumor predisposition. Identifiers: Orphanet 140162, MedGen C0027672, MeSH D009386, MONDO:0015356.

Submissions (4):

Women's Health and Genetics/Laboratory Corporation of America, LabCorp
Classification: Uncertain significance. Last evaluated: 2025-11-27. Review status: criteria provided, single submitter. Criteria: LabCorp Variant Classification Summary - May 2015. Collection method: clinical testing. Allele origin: germline.

Labcorp Genetics (formerly Invitae), Labcorp
Classification: Uncertain significance for Ataxia-telangiectasia syndrome. Last evaluated: 2025-04-13. Review status: criteria provided, single submitter. Criteria: Invitae Variant Classification Sherloc (09022015). Collection method: clinical testing. Allele origin: germline.
Comment: This sequence change replaces glutamine, which is neutral and polar, with histidine, which is basic and polar, at codon 95 of the ATM protein (p.Gln95His). This variant is not present in population databases (gnomAD no frequency). This variant has not been reported in the literature in individuals affected with ATM-related conditions. ClinVar contains an entry for this variant (Variation ID: 821911). Invitae Evidence Modeling of protein sequence and biophysical properties (such as structural, functional, and spatial information, amino acid conservation, physicochemical variation, residue mobility, and thermodynamic stability) indicates that this missense variant is not expected to disrupt ATM protein function with a negative predictive value of 95%. In summary, the available evidence is currently insufficient to determine the role of this variant in disease. Therefore, it has been classified as a Variant of Uncertain Significance.

Color Diagnostics, LLC DBA Color Health
Classification: Uncertain significance for Hereditary cancer-predisposing syndrome. Last evaluated: 2024-03-06. Review status: criteria provided, single submitter. Criteria: ACMG Guidelines, 2015. Collection method: clinical testing. Allele origin: germline.
Comment: This missense variant replaces glutamine with histidine at codon 95 of the ATM protein. Computational prediction suggests that this variant may not impact protein structure and function. To our knowledge, functional studies have not been reported for this variant. This variant has not been reported in individuals affected with hereditary cancer in the literature. This variant has not been identified in the general population by the Genome Aggregation Database (gnomAD). The available evidence is insufficient to determine the role of this variant in disease conclusively. Therefore, this variant is classified as a Variant of Uncertain Significance.

Ambry Genetics
Classification: Uncertain significance for Hereditary cancer-predisposing syndrome. Last evaluated: 2019-07-12. Review status: criteria provided, single submitter. Criteria: Ambry Variant Classification Scheme 2023. Collection method: clinical testing. Allele origin: germline.
Comment: The p.Q95H variant (also known as c.285G>C), located in coding exon 3 of the ATM gene, results from a G to C substitution at nucleotide position 285. The glutamine at codon 95 is replaced by histidine, an amino acid with highly similar properties. This amino acid position is highly conserved in mammals, but not in lower available vertebrate species. In addition, this alteration is predicted to be tolerated by in silico analysis. Since supporting evidence is limited at this time, the clinical significance of this alteration remains unclear.